The following is an entry in ClinVar:

NM_001242896.3(DEPDC5):c.2921G>A (p.Arg974His)

Gene: DEPDC5 (DEP domain containing 5, GATOR1 subcomplex subunit; plus strand). Cytogenetic location: 22q12.3.
Variant type: single nucleotide variant.
Coding change: c.2921G>A on transcript NM_001242896.3 (MANE Select); coding-DNA position 2921, G replaced by A.
Protein change: p.Arg974His; replaces arginine 974 with histidine.
Molecular consequence: missense variant. On other transcripts: non-coding transcript variant (5).
Genome position (GRCh38, 1-based): chr22:31,845,137, G>A. VCF-style: chr22-31845137-G-A. GRCh37 (hg19) VCF-style: chr22-32241123-G-A.
Other names: c.2894G>A, p.Arg965His (NM_001136029.4, NM_001369903.1, NM_014662.6); c.2687G>A, p.Arg896His (NM_001242897.2, NM_001363854.2, NM_001364319.2); c.2921G>A, p.Arg974His (NM_001363852.2, NM_001364318.2, NM_001364320.2); c.2837G>A, p.Arg946His (NM_001369901.1, NM_001369902.1); short protein forms R896H, R946H, R965H, R974H.
Identifiers: ClinVar variation 838897 (VCV000838897.7), dbSNP rs762596342, ClinGen allele CA10196833.
Genomic context (GRCh38, chr22:31,845,137, plus strand): 5'-CCGCCACCAAGCGCATCACGGAGGGGGAGGCCCACTGCGACATCTATGGGGACAGGCCCC[G>A]TGCAGACGAGGACGAGTGGCAACTCCTGGATGGTTTTGTCCGCTTTGTGGAGGGCTTGAA-3'
Protein context (NP_001229825.1, residues 964-984): AHCDIYGDRP[Arg974His]ADEDEWQLLD

ClinVar aggregate classification (germline): Uncertain significance (1 of 4 stars; one submission).

Conditions:
Familial focal epilepsy with variable foci (FPEVF). Identifiers: Orphanet 98820, MedGen C1858477, MONDO:0020310.

Allele frequency attached by ClinVar (database versions not stated): gnomAD 0.00006 and 0.00005; TOPMed 0.00001; ExAC 0.00002; gnomAD exomes 0.00002.
gnomAD v4.1: 44 of 1,614,178 alleles (0.0027%); highest among the groups gnomAD compares: Middle Eastern, 0.016%; no homozygotes.

Submission:

Labcorp Genetics (formerly Invitae), Labcorp
Classification: Uncertain significance for Familial focal epilepsy with variable foci. Last evaluated: 2024-12-02. Review status: criteria provided, single submitter. Criteria: Invitae Variant Classification Sherloc (09022015). Collection method: clinical testing. Allele origin: germline.
Comment: This sequence change replaces arginine, which is basic and polar, with histidine, which is basic and polar, at codon 974 of the DEPDC5 protein (p.Arg974His). This variant is present in population databases (rs762596342, gnomAD 0.004%). This variant has not been reported in the literature in individuals affected with DEPDC5-related conditions. ClinVar contains an entry for this variant (Variation ID: 838897). Experimental studies and prediction algorithms are not available or were not evaluated, and the functional significance of this variant is currently unknown. In summary, the available evidence is currently insufficient to determine the role of this variant in disease. Therefore, it has been classified as a Variant of Uncertain Significance.